The following is an entry in ClinVar:

ClinVar aggregate classification (germline): Uncertain significance (1 of 4 stars; one submission).

Conditions:
Congenital disorder of deglycosylation (CDDG). Identifiers: MedGen C3808991, MONDO:0031376.

gnomAD v4.1: 1 of 1,614,062 alleles (0.000062%); highest among the groups gnomAD compares: Non-Finnish European, 0.000085%; no homozygotes.

Submission:

Labcorp Genetics (formerly Invitae), Labcorp
Classification: Uncertain significance for Congenital disorder of deglycosylation. Last evaluated: 2025-04-18. Review status: criteria provided, single submitter. Criteria: Invitae Variant Classification Sherloc (09022015). Collection method: clinical testing. Allele origin: germline.
Comment: This sequence change replaces leucine, which is neutral and non-polar, with glutamine, which is neutral and polar, at codon 231 of the NGLY1 protein (p.Leu231Gln). This variant is present in population databases (rs751255754, gnomAD 0.0009%). This variant has not been reported in the literature in individuals affected with NGLY1-related conditions. ClinVar contains an entry for this variant (Variation ID: 3688409). Invitae Evidence Modeling of protein sequence and biophysical properties (such as structural, functional, and spatial information, amino acid conservation, physicochemical variation, residue mobility, and thermodynamic stability) indicates that this missense variant is not expected to disrupt NGLY1 protein function with a negative predictive value of 80%. Algorithms developed to predict the effect of sequence changes on RNA splicing suggest that this variant may disrupt the consensus splice site. In summary, the available evidence is currently insufficient to determine the role of this variant in disease. Therefore, it has been classified as a Variant of Uncertain Significance.

NM_018297.4(NGLY1):c.692T>A (p.Leu231Gln)

Gene: NGLY1 (N-glycanase 1; minus strand). Cytogenetic location: 3p24.2.
Variant type: single nucleotide variant.
Coding change: c.692T>A on transcript NM_018297.4 (MANE Select); coding-DNA position 692, T replaced by A.
Protein change: p.Leu231Gln; replaces leucine 231 with glutamine.
Molecular consequence: missense variant.
Genome position (GRCh38, 1-based): chr3:25,739,766, A>T on the plus strand (T>A on the coding strand, the complement: NGLY1 is on the minus strand). VCF-style: chr3-25739766-A-T. GRCh37 (hg19) VCF-style: chr3-25781257-A-T.
Other names: c.566T>A, p.Leu189Gln (NM_001145294.2); c.692T>A, p.Leu231Gln (NM_001145295.2, NM_001145293.2); short protein forms L231Q, L189Q.
Identifiers: ClinVar variation 3688409 (VCV003688409.2).